The following is an entry in ClinVar:

ClinVar aggregate classification (germline): Uncertain significance. Review status: criteria provided, multiple submitters, no conflicts (2 of 4 stars). 2 submissions from 2 submitters: Uncertain significance (2). Last evaluated 2025-04-07.

Conditions:
Inborn genetic diseases. Identifiers: MedGen C0950123, MeSH D030342.
Polyglandular autoimmune syndrome, type 1 (APS1). Also called: Autoimmune polyendocrinopathy syndrome , type I, with or without reversible metaphyseal dysplasia; HYPOADRENOCORTICISM WITH HYPOPARATHYROIDISM AND SUPERFICIAL MONILIASIS; PGA I; Autoimmune polyendocrine syndrome type 1; Autoimmune polyendocrinopathy syndrome, type I; AUTOIMMUNE POLYENDOCRINE SYNDROME, TYPE I, WITH OR WITHOUT REVERSIBLE METAPHYSEAL DYSPLASIA. Identifiers: Orphanet 3453, MedGen C0085859, MONDO:0009411, OMIM 240300.

Allele frequency attached by ClinVar (database versions not stated): ExAC 0.00005; gnomAD 0.00006; 1000 Genomes Project 30x 0.00016; 1000 Genomes Project 0.00020.
gnomAD v4.1: 20 of 1,558,954 alleles (0.0013%); highest among the groups gnomAD compares: African/African-American, 0.015%; no homozygotes.

Submissions (2):

Labcorp Genetics (formerly Invitae), Labcorp
Classification: Uncertain significance for Polyglandular autoimmune syndrome, type 1. Last evaluated: 2025-04-07. Review status: criteria provided, single submitter. Criteria: Invitae Variant Classification Sherloc (09022015). Collection method: clinical testing. Allele origin: germline.
Comment: This sequence change replaces alanine, which is neutral and non-polar, with threonine, which is neutral and polar, at codon 170 of the AIRE protein (p.Ala170Thr). The frequency data for this variant in the population databases is considered unreliable, as metrics indicate poor data quality at this position in the gnomAD database. This variant has not been reported in the literature in individuals affected with AIRE-related conditions. ClinVar contains an entry for this variant (Variation ID: 2145381). Invitae Evidence Modeling of protein sequence and biophysical properties (such as structural, functional, and spatial information, amino acid conservation, physicochemical variation, residue mobility, and thermodynamic stability) indicates that this missense variant is not expected to disrupt AIRE protein function with a negative predictive value of 95%. In summary, the available evidence is currently insufficient to determine the role of this variant in disease. Therefore, it has been classified as a Variant of Uncertain Significance.

Ambry Genetics
Classification: Uncertain significance for Inborn genetic diseases. Last evaluated: 2022-08-30. Review status: criteria provided, single submitter. Criteria: Ambry Variant Classification Scheme 2023. Collection method: clinical testing. Allele origin: germline.

NM_000383.4(AIRE):c.508G>A (p.Ala170Thr)

Gene: AIRE (autoimmune regulator; plus strand). Cytogenetic location: 21q22.3.
Variant type: single nucleotide variant.
Coding change: c.508G>A on transcript NM_000383.4 (MANE Select); coding-DNA position 508, G replaced by A.
Protein change: p.Ala170Thr; replaces alanine 170 with threonine.
Molecular consequence: missense variant.
Genome position (GRCh38, 1-based): chr21:44,287,561, G>A. VCF-style: chr21-44287561-G-A. GRCh37 (hg19) VCF-style: chr21-45707444-G-A.
Other names: short protein forms A170T.
Identifiers: ClinVar variation 2145381 (VCV002145381.3), dbSNP rs534008464, ClinGen allele CA10051590.